The following is an entry in ClinVar:

NM_018191.4(RCBTB1):c.1369A>C (p.Lys457Gln)

Gene: RCBTB1 (RCC1 and BTB domain containing protein 1; minus strand). Cytogenetic location: 13q14.2.
Variant type: single nucleotide variant.
Coding change: c.1369A>C on transcript NM_018191.4 (MANE Select); coding-DNA position 1369, A replaced by C.
Protein change: p.Lys457Gln; replaces lysine 457 with glutamine.
Molecular consequence: missense variant. On other transcripts: non-coding transcript variant (2).
Genome position (GRCh38, 1-based): chr13:49,540,962, T>G on the plus strand (A>C on the coding strand, the complement: RCBTB1 is on the minus strand). VCF-style: chr13-49540962-T-G. GRCh37 (hg19) VCF-style: chr13-50115098-T-G.
Other names: c.1369A>C, p.Lys457Gln (NM_001352500.2, NM_001352501.2, NM_001352502.2 and 2 more transcripts); c.790A>C, p.Lys264Gln (NM_001352506.2); short protein forms K264Q, K457Q.
Identifiers: ClinVar variation 1011371 (VCV001011371.10), dbSNP rs1215719005, ClinGen allele CA388186766.

ClinVar aggregate classification (germline): Uncertain significance (1 of 4 stars; one submission).

Allele frequency attached by ClinVar (database versions not stated): gnomAD exomes below 0.00001 and 0.00001; TOPMed 0.00001.
gnomAD v4.1: 8 of 1,613,568 alleles (0.0005%); highest among the groups gnomAD compares: South Asian, 0.0011%; no homozygotes.

Submission:

Labcorp Genetics (formerly Invitae), Labcorp
Classification: Uncertain significance. Last evaluated: 2022-08-08. Review status: criteria provided, single submitter. Criteria: Invitae Variant Classification Sherloc (09022015). Collection method: clinical testing. Allele origin: germline.
Comment: This variant is present in population databases (no rsID available, gnomAD 0.0009%). This sequence change replaces lysine, which is basic and polar, with glutamine, which is neutral and polar, at codon 457 of the RCBTB1 protein (p.Lys457Gln). This variant has not been reported in the literature in individuals affected with RCBTB1-related conditions. ClinVar contains an entry for this variant (Variation ID: 1011371). Algorithms developed to predict the effect of missense changes on protein structure and function are either unavailable or do not agree on the potential impact of this missense change (SIFT: "Deleterious"; PolyPhen-2: "Benign"; Align-GVGD: "Class C0"). In summary, the available evidence is currently insufficient to determine the role of this variant in disease. Therefore, it has been classified as a Variant of Uncertain Significance.